The following is an entry in ClinVar:

NM_007315.4(STAT1):c.1251C>T (p.Thr417=)

Gene: STAT1 (signal transducer and activator of transcription 1; minus strand). Cytogenetic location: 2q32.2.
Variant type: single nucleotide variant.
Coding change: c.1251C>T on transcript NM_007315.4 (MANE Select); coding-DNA position 1251, C replaced by T.
Protein change: p.Thr417=; no amino-acid change (threonine 417 retained).
Molecular consequence: synonymous variant.
Genome position (GRCh38, 1-based): chr2:190,985,631, G>A on the plus strand (C>T on the coding strand, the complement: STAT1 is on the minus strand). VCF-style: chr2-190985631-G-A. GRCh37 (hg19) VCF-style: chr2-191850357-G-A.
Other names: c.1191C>T, p.Thr397= (NM_001384880.1); c.1257C>T, p.Thr419= (NM_001384881.1, NM_001384884.1); c.1245C>T, p.Thr415= (NM_001384882.1); c.1152C>T, p.Thr384= (NM_001384883.1); c.1092C>T, p.Thr364= (NM_001384885.1); c.1251C>T, p.Thr417= (NM_001384886.1, NM_001384889.1, NM_139266.3); c.1158C>T, p.Thr386= (NM_001384887.1); c.1221C>T, p.Thr407= (NM_001384888.1); and 2 more.
Identifiers: ClinVar variation 2926697 (VCV002926697.3), dbSNP rs1259824576, ClinGen allele CA430331981.

ClinVar aggregate classification (germline): Uncertain significance (1 of 4 stars; one submission).

Conditions:
Mendelian susceptibility to mycobacterial diseases due to partial STAT1 deficiency. Also called: IMMUNODEFICIENCY 31A, MYCOBACTERIOSIS, AUTOSOMAL DOMINANT; STAT1 DEFICIENCY, AUTOSOMAL DOMINANT; Immunodeficiency 31a. Identifiers: Orphanet 319595, MedGen C4013950, MONDO:0013956, OMIM 614892.
Immunodeficiency 31B. Also called: IMMUNODEFICIENCY 31B, MYCOBACTERIAL AND VIRAL INFECTIONS, AUTOSOMAL RECESSIVE; STAT1 DEFICIENCY, AUTOSOMAL RECESSIVE. Identifiers: Orphanet 391311, MedGen C3151088, MONDO:0013427, OMIM 613796.
Autoimmune enteropathy and endocrinopathy - susceptibility to chronic infections syndrome. Also called: Immunodeficiency 31C; Immunodeficiency 31C, autosomal dominant. Identifiers: Orphanet 391487, MedGen C3279990, MONDO:0013599, OMIM 614162.

Allele frequency attached by ClinVar (database versions not stated): TOPMed 0.00001.

Submission:

Labcorp Genetics (formerly Invitae), Labcorp
Classification: Uncertain significance for Mendelian susceptibility to mycobacterial diseases due to partial STAT1 deficiency; Immunodeficiency 31B; Autoimmune enteropathy and endocrinopathy - susceptibility to chronic infections syndrome. Last evaluated: 2023-11-17. Review status: criteria provided, single submitter. Criteria: Invitae Variant Classification Sherloc (09022015). Collection method: clinical testing. Allele origin: germline.
Comment: This sequence change affects codon 417 of the STAT1 mRNA. It is a 'silent' change, meaning that it does not change the encoded amino acid sequence of the STAT1 protein. This variant is not present in population databases (gnomAD no frequency). This variant has not been reported in the literature in individuals affected with STAT1-related conditions. Algorithms developed to predict the effect of sequence changes on RNA splicing suggest that this variant may disrupt the consensus splice site. In summary, the available evidence is currently insufficient to determine the role of this variant in disease. Therefore, it has been classified as a Variant of Uncertain Significance.